The following is an entry in ClinVar:

ClinVar aggregate classification (germline): Benign (1 of 4 stars; one submission).

Allele frequency attached by ClinVar (database versions not stated): gnomAD 0.78131 and 0.78394; TOPMed 0.78143; 1000 Genomes Project 30x 0.83151; 1000 Genomes Project 0.83906.
gnomAD v4.1: 119,162 of 152,114 alleles (78%); highest among the groups gnomAD compares: East Asian, 98%; 46,907 homozygotes.

Submission:

GeneDx
Classification: Benign. Last evaluated: 2018-06-19. Review status: criteria provided, single submitter. Criteria: GeneDx Variant Classification (06012015). Collection method: clinical testing. Allele origin: germline. Affected: yes.
Comment: This variant is considered likely benign or benign based on one or more of the following criteria: it is a conservative change, it occurs at a poorly conserved position in the protein, it is predicted to be benign by multiple in silico algorithms, and/or has population frequency not consistent with disease.

NM_201596.3(CACNB2):c.805-208G>A

Gene: CACNB2 (calcium voltage-gated channel auxiliary subunit beta 2; plus strand). Cytogenetic location: 10p12.31.
Variant type: single nucleotide variant.
Coding change: c.805-208G>A on transcript NM_201596.3 (MANE Select); 208 bases into the intron before coding-DNA position 805, G replaced by A.
Molecular consequence: intron variant.
Genome position (GRCh38, 1-based): chr10:18,518,128, G>A. VCF-style: chr10-18518128-G-A. GRCh37 (hg19) VCF-style: chr10-18807057-G-A.
Other names: c.721-208G>A (NM_201571.4); c.607-208G>A (NM_001167945.2); c.649-208G>A (NM_201572.4); c.691-208G>A (NM_201593.3); c.733-208G>A (NM_201597.3); c.640-208G>A (NM_000724.4); c.526-208G>A (NM_001330060.2); c.643-208G>A (NM_201590.3); and 1 more.
Identifiers: ClinVar variation 671830 (VCV000671830.1), dbSNP rs7910506, ClinGen allele CA13184360.
Genomic context (GRCh38, chr10:18,518,128, plus strand): 5'-AGCAGCATCTCTTGCTTTAGGAACGAATAGGTCTGTAGCATTTCTTGAGATGAGCAAGAA[G>A]ACTGTAGACAACAGTAACTTGAAACTTCAGGAAAATGAACCCACCAATCTTTGACTGGGT-3'